The following is an entry in ClinVar:

ClinVar aggregate classification (germline): Likely benign (1 of 4 stars; one submission).

gnomAD v4.1: 806 of 1,613,656 alleles (0.05%); highest among the groups gnomAD compares: Non-Finnish European, 0.065%; no homozygotes.

Submission:

CeGaT Center for Human Genetics Tuebingen
Classification: Likely benign. Last evaluated: 2024-12-01. Review status: criteria provided, single submitter. Criteria: CeGaT Center For Human Genetics Tuebingen Variant Classification Criteria Version 2. Collection method: clinical testing. Allele origin: germline. Affected: yes. Observed: 1 variant allele.
Comment: SCN3A: BP4

NM_006922.4(SCN3A):c.603-90A>G

Gene: SCN3A (sodium voltage-gated channel alpha subunit 3; minus strand). Cytogenetic location: 2q24.3.
Variant type: single nucleotide variant.
Coding change: c.603-90A>G on transcript NM_006922.4 (MANE Select); 90 bases into the intron before coding-DNA position 603, A replaced by G.
Molecular consequence: intron variant.
Genome position (GRCh38, 1-based): chr2:165,163,799, T>C on the plus strand (A>G on the coding strand, the complement: SCN3A is on the minus strand). VCF-style: chr2-165163799-T-C. GRCh37 (hg19) VCF-style: chr2-166020309-T-C.
Other names: c.603-90A>G (NM_001081676.2); c.694+3A>G (NM_001081677.2).
Identifiers: ClinVar variation 3771693 (VCV003771693.13).